The following is an entry in ClinVar:

ClinVar aggregate classification (germline): Uncertain significance (1 of 4 stars; one submission).

Conditions:
Encephalopathy, acute, infection-induced (herpes-specific), susceptibility to, 6. Also called: Herpes simplex encephalitis, susceptibility to, 4. Identifiers: Orphanet 1930, MedGen C3553869, MONDO:0013921, OMIM 614850.

Allele frequency attached by ClinVar (database versions not stated): gnomAD 0.00003; gnomAD exomes 0.00014; ESP Exome Variant Server 0.00015; ExAC 0.00009; TOPMed 0.00011.
gnomAD v4.1: 258 of 1,614,046 alleles (0.016%); highest among the groups gnomAD compares: Non-Finnish European, 0.02%; no homozygotes.

Submission:

Labcorp Genetics (formerly Invitae), Labcorp
Classification: Uncertain significance for Encephalopathy, acute, infection-induced (herpes-specific), susceptibility to, 6. Last evaluated: 2022-08-13. Review status: criteria provided, single submitter. Criteria: Invitae Variant Classification Sherloc (09022015). Collection method: clinical testing. Allele origin: germline.
Comment: This sequence change replaces leucine, which is neutral and non-polar, with valine, which is neutral and non-polar, at codon 574 of the TICAM1 protein (p.Leu574Val). This variant is present in population databases (rs148925210, gnomAD 0.02%). This variant has not been reported in the literature in individuals affected with TICAM1-related conditions. ClinVar contains an entry for this variant (Variation ID: 582681). Algorithms developed to predict the effect of missense changes on protein structure and function output the following: SIFT: "Tolerated"; PolyPhen-2: "Benign"; Align-GVGD: "Class C0". The valine amino acid residue is found in multiple mammalian species, which suggests that this missense change does not adversely affect protein function. In summary, the available evidence is currently insufficient to determine the role of this variant in disease. Therefore, it has been classified as a Variant of Uncertain Significance.

NM_182919.4(TICAM1):c.1720C>G (p.Leu574Val)

Gene: TICAM1 (TIR domain containing adaptor molecule 1; minus strand). Cytogenetic location: 19p13.3.
Variant type: single nucleotide variant.
Coding change: c.1720C>G on transcript NM_182919.4 (MANE Select); coding-DNA position 1720, C replaced by G.
Protein change: p.Leu574Val; replaces leucine 574 with valine.
Molecular consequence: missense variant.
Genome position (GRCh38, 1-based): chr19:4,816,658, G>C on the plus strand (C>G on the coding strand, the complement: TICAM1 is on the minus strand). VCF-style: chr19-4816658-G-C. GRCh37 (hg19) VCF-style: chr19-4816670-G-C.
Other names: c.1678C>G, p.Leu560Val (NM_001385678.1); c.1585C>G, p.Leu529Val (NM_001385679.1); c.1078C>G, p.Leu360Val (NM_001385680.1); short protein forms L574V, L360V, L529V, L560V.
Identifiers: ClinVar variation 582681 (VCV000582681.7), dbSNP rs148925210, ClinGen allele CA9105080.
Genomic context (GRCh38, chr19:4,816,658, plus strand): 5'-GGCTCCCAAAAGCCACCTGGAGCTGCTCCATCTGTGCCTGGTAGGACAAGTAGCTCTGGA[G>C]GTAGGCTGAGTAGGCTGCGTTCAGTGCCGCCGCCTGCATCCGCTCACCGTCCAGGTGTTG-3'
Protein context (NP_891549.1, residues 564-584): AALNAAYSAY[Leu574Val]QSYLSYQAQM